The following is an entry in ClinVar:

ClinVar aggregate classification (germline): Uncertain significance (1 of 4 stars; one submission).

Conditions:
Inborn genetic diseases. Identifiers: MedGen C0950123, MeSH D030342.

gnomAD v4.1: 1 of 1,613,582 alleles (0.000062%); highest among the groups gnomAD compares: Non-Finnish European, 0.000085%; no homozygotes.

Submission:

Ambry Genetics
Classification: Uncertain significance for Inborn genetic diseases. Last evaluated: 2025-06-10. Review status: criteria provided, single submitter. Criteria: Ambry Variant Classification Scheme 2023. Collection method: clinical testing. Allele origin: germline.
Comment: The p.K184E variant (also known as c.550A>G), located in coding exon 2 of the FANCM gene, results from an A to G substitution at nucleotide position 550. The lysine at codon 184 is replaced by glutamic acid, an amino acid with similar properties. This amino acid position is conserved. In addition, this alteration is predicted to be tolerated by in silico analysis. Based on the available evidence, the clinical significance of this variant remains unclear.

NM_020937.4(FANCM):c.550A>G (p.Lys184Glu)

Gene: FANCM (FA complementation group M; plus strand). Cytogenetic location: 14q21.2.
Variant type: single nucleotide variant.
Coding change: c.550A>G on transcript NM_020937.4 (MANE Select); coding-DNA position 550, A replaced by G.
Protein change: p.Lys184Glu; replaces lysine 184 with glutamic acid.
Molecular consequence: missense variant.
Genome position (GRCh38, 1-based): chr14:45,137,110, A>G. VCF-style: chr14-45137110-A-G. GRCh37 (hg19) VCF-style: chr14-45606313-A-G.
Other names: c.550A>G, p.Lys184Glu (NM_001308133.2, NM_001308134.2); short protein forms K184E.
Identifiers: ClinVar variation 4022874 (VCV004022874.1).
Genomic context (GRCh38, chr14:45,137,110, plus strand): 5'-ATGTCACTTTTATTTTCAGGGTCTACACAAGCTTCCACCAGGAAGGAAATATGGTGCAGT[A>G]AGAGAGTGCTTTTTCTTACACCTCAGGTCATGGTAAATGACCTTTCTAGAGGAGCTTGTC-3'
Protein context (NP_065988.1, residues 174-194): ASTRKEIWCS[Lys184Glu]RVLFLTPQVM